The following is an entry in ClinVar:

NM_000166.6(GJB1):c.610C>A (p.Leu204Ile)

Gene: GJB1 (gap junction protein beta 1; plus strand). Cytogenetic location: Xq13.1.
Variant type: single nucleotide variant.
Coding change: c.610C>A on transcript NM_000166.6 (MANE Select); coding-DNA position 610, C replaced by A.
Protein change: p.Leu204Ile; replaces leucine 204 with isoleucine.
Molecular consequence: missense variant.
Genome position (GRCh38, 1-based): chrX:71,224,317, C>A. VCF-style: chrX-71224317-C-A. GRCh37 (hg19) VCF-style: chrX-70444167-C-A.
Other names: c.610C>A, p.Leu204Ile (NM_001097642.3); short protein forms L204I.
Identifiers: ClinVar variation 422078 (VCV000422078.10), dbSNP rs1064795540, ClinGen allele CA16621494.

ClinVar aggregate classification (germline): Uncertain significance. Review status: criteria provided, multiple submitters, no conflicts (2 of 4 stars). 2 submissions from 2 submitters: Uncertain significance (2). Last evaluated 2025-06-13.

Conditions:
Charcot-Marie-Tooth Neuropathy X. Identifiers: MedGen CN118851.

Submissions (2):

GeneDx
Classification: Uncertain significance. Last evaluated: 2025-06-13. Review status: criteria provided, single submitter. Criteria: GeneDx Variant Classification Process June 2021. Collection method: clinical testing. Allele origin: germline. Affected: yes.
Comment: Not observed at significant frequency in large population cohorts (gnomAD); Missense variants in this gene are a common cause of disease and they are underrepresented in the general population; In silico analysis suggests that this missense variant does not alter protein structure/function; Has not been previously published as pathogenic or benign to our knowledge; This variant is associated with the following publications: (PMID: 9633821, 9361298)

Labcorp Genetics (formerly Invitae), Labcorp
Classification: Uncertain significance for Charcot-Marie-Tooth Neuropathy X. Last evaluated: 2024-05-25. Review status: criteria provided, single submitter. Criteria: Invitae Variant Classification Sherloc (09022015). Collection method: clinical testing. Allele origin: germline.
Comment: This sequence change replaces leucine, which is neutral and non-polar, with isoleucine, which is neutral and non-polar, at codon 204 of the GJB1 protein (p.Leu204Ile). This variant is not present in population databases (gnomAD no frequency). This missense change has been observed in individuals with Charcot-Marie-Tooth disease (Invitae). ClinVar contains an entry for this variant (Variation ID: 422078). Advanced modeling of protein sequence and biophysical properties (such as structural, functional, and spatial information, amino acid conservation, physicochemical variation, residue mobility, and thermodynamic stability) performed at Invitae indicates that this missense variant is not expected to disrupt GJB1 protein function with a negative predictive value of 80%. This variant disrupts the p.Leu204 amino acid residue in GJB1. Other variant(s) that disrupt this residue have been observed in individuals with GJB1-related conditions (PMID: 9361298, 9633821), which suggests that this may be a clinically significant amino acid residue. In summary, the available evidence is currently insufficient to determine the role of this variant in disease. Therefore, it has been classified as a Variant of Uncertain Significance.

Literature cited by the submitters: PubMed 9361298 (cited by Labcorp Genetics (formerly Invitae), Labcorp); PubMed 9633821 (cited by Labcorp Genetics (formerly Invitae), Labcorp).